The following is an entry in ClinVar:

ClinVar aggregate classification (germline): Uncertain significance. Review status: criteria provided, multiple submitters, no conflicts (2 of 4 stars). 2 submissions from 2 submitters: Uncertain significance (2). Last evaluated 2026-01-06.

Conditions:
Thrombocytopenia 2 (THC2). Also called: ANKRD26-Related Thrombocytopenia. Identifiers: Orphanet 268322, MedGen C1861185, MONDO:0008555, OMIM 188000.

Allele frequency attached by ClinVar (database versions not stated): gnomAD 0.00006; gnomAD exomes 0.00010; TOPMed 0.00022.

Submissions (2):

Labcorp Genetics (formerly Invitae), Labcorp
Classification: Uncertain significance. Last evaluated: 2026-01-06. Review status: criteria provided, single submitter. Criteria: Invitae Variant Classification Sherloc (09022015). Collection method: clinical testing. Allele origin: germline.
Comment: This variant occurs in a non-coding region of the ANKRD26 gene. It does not change the encoded amino acid sequence of the ANKRD26 protein. This variant is present in population databases (no rsID available, gnomAD 0.1%). This variant has not been reported in the literature in individuals affected with ANKRD26-related conditions. ClinVar contains an entry for this variant (Variation ID: 299771). In summary, the available evidence is currently insufficient to determine the role of this variant in disease. Therefore, it has been classified as a Variant of Uncertain Significance.

Illumina Laboratory Services, Illumina
Classification: Uncertain significance for Thrombocytopenia 2. Last evaluated: 2018-01-12. Review status: criteria provided, single submitter. Criteria: ICSL Variant Classification Criteria 13 December 2019. Collection method: clinical testing. Allele origin: germline.

NC_000010.11:g.27100498T>A

Gene: ANKRD26 (ankyrin repeat domain 26; minus strand). Cytogenetic location: 10p12.1.
Variant type: single nucleotide variant.
Genome position: GRCh38 VCF-style: chr10-27100498-T-A. GRCh37 (hg19) VCF-style: chr10-27389427-T-A.
Other names: c.-172A>T (NM_014915.2).
Identifiers: ClinVar variation 299771 (VCV000299771.10), dbSNP rs886046951, ClinGen allele CA10635288.